The following is an entry in ClinVar:

ClinVar aggregate classification (germline): Uncertain significance (1 of 4 stars; one submission).

Submission:

Labcorp Genetics (formerly Invitae), Labcorp
Classification: Uncertain significance. Last evaluated: 2022-09-13. Review status: criteria provided, single submitter. Criteria: Invitae Variant Classification Sherloc (09022015). Collection method: clinical testing. Allele origin: germline.
Comment: In summary, the available evidence is currently insufficient to determine the role of this variant in disease. Therefore, it has been classified as a Variant of Uncertain Significance. Advanced modeling of protein sequence and biophysical properties (such as structural, functional, and spatial information, amino acid conservation, physicochemical variation, residue mobility, and thermodynamic stability) performed at Invitae indicates that this missense variant is not expected to disrupt CA4 protein function. This variant has not been reported in the literature in individuals affected with CA4-related conditions. This variant is not present in population databases (gnomAD no frequency). This sequence change replaces lysine, which is basic and polar, with glutamic acid, which is acidic and polar, at codon 124 of the CA4 protein (p.Lys124Glu).

NM_000717.5(CA4):c.370A>G (p.Lys124Glu)

Gene: CA4 (carbonic anhydrase 4; plus strand). Cytogenetic location: 17q23.1.
Variant type: single nucleotide variant.
Coding change: c.370A>G on transcript NM_000717.5 (MANE Select); coding-DNA position 370, A replaced by G.
Protein change: p.Lys124Glu; replaces lysine 124 with glutamic acid.
Molecular consequence: missense variant. On other transcripts: non-coding transcript variant (1).
Genome position (GRCh38, 1-based): chr17:60,157,528, A>G. VCF-style: chr17-60157528-A-G. GRCh37 (hg19) VCF-style: chr17-58234889-A-G.
Other names: short protein forms K124E.
Identifiers: ClinVar variation 2103801 (VCV002103801.4), dbSNP rs2544520191, ClinGen allele CA400455100.